The following is an entry in ClinVar:

NM_006231.4(POLE):c.4652A>G (p.His1551Arg)

Gene: POLE (DNA polymerase epsilon, catalytic subunit; minus strand). Cytogenetic location: 12q24.33.
Variant type: single nucleotide variant.
Coding change: c.4652A>G on transcript NM_006231.4 (MANE Select); coding-DNA position 4652, A replaced by G.
Protein change: p.His1551Arg; replaces histidine 1551 with arginine.
Molecular consequence: missense variant.
Genome position (GRCh38, 1-based): chr12:132,642,896, T>C on the plus strand (A>G on the coding strand, the complement: POLE is on the minus strand). VCF-style: chr12-132642896-T-C. GRCh37 (hg19) VCF-style: chr12-133219482-T-C.
Other names: c.4652A>G (NM_006231.2); short protein forms H1551R.
Identifiers: ClinVar variation 954842 (VCV000954842.10), dbSNP rs1235780954, ClinGen allele CA387378996.

ClinVar aggregate classification (germline): Uncertain significance. Review status: criteria provided, multiple submitters, no conflicts (2 of 4 stars). 2 submissions from 2 submitters: Uncertain significance (2). Last evaluated 2026-05-13.

Conditions:
Hereditary cancer-predisposing syndrome. Also called: Hereditary Cancer Syndrome; Neoplastic Syndromes, Hereditary; Tumor predisposition; Hereditary neoplastic syndrome. Identifiers: Orphanet 140162, MedGen C0027672, MeSH D009386, MONDO:0015356.

Allele frequency attached by ClinVar (database versions not stated): TOPMed below 0.00001; gnomAD 0.00001; gnomAD exomes below 0.00001.
gnomAD v4.1: 2 of 1,613,590 alleles (0.00012%); highest among the groups gnomAD compares: Non-Finnish European, 0.00017%; no homozygotes.

Submissions (2):

Ambry Genetics
Classification: Uncertain significance for Hereditary cancer-predisposing syndrome. Last evaluated: 2026-05-13. Review status: criteria provided, single submitter. Criteria: Ambry Variant Classification Scheme 2023. Collection method: clinical testing. Allele origin: germline.
Comment: The p.H1551R variant (also known as c.4652A>G), located in coding exon 36 of the POLE gene, results from an A to G substitution at nucleotide position 4652. The histidine at codon 1551 is replaced by arginine, an amino acid with highly similar properties. This amino acid position is highly conserved in available vertebrate species. In addition, the in silico prediction for this alteration is inconclusive. Based on the available evidence, the clinical significance of this variant remains unclear.

Labcorp Genetics (formerly Invitae), Labcorp
Classification: Uncertain significance. Last evaluated: 2021-07-24. Review status: criteria provided, single submitter. Criteria: Invitae Variant Classification Sherloc (09022015). Collection method: clinical testing. Allele origin: germline.
Comment: In summary, the available evidence is currently insufficient to determine the role of this variant in disease. Therefore, it has been classified as a Variant of Uncertain Significance. Algorithms developed to predict the effect of missense changes on protein structure and function are either unavailable or do not agree on the potential impact of this missense change (SIFT: "Tolerated"; PolyPhen-2: "Possibly Damaging"; Align-GVGD: "Class C0"). This variant has not been reported in the literature in individuals with POLE-related conditions. This variant is not present in population databases (ExAC no frequency). This sequence change replaces histidine with arginine at codon 1551 of the POLE protein (p.His1551Arg). The histidine residue is moderately conserved and there is a small physicochemical difference between histidine and arginine.